The following is an entry in ClinVar:

NM_001363711.2(DUOX2):c.1426A>C (p.Asn476His)

Gene: DUOX2 (dual oxidase 2; minus strand). Cytogenetic location: 15q21.1.
Variant type: single nucleotide variant.
Coding change: c.1426A>C on transcript NM_001363711.2 (MANE Select); coding-DNA position 1426, A replaced by C.
Protein change: p.Asn476His; replaces asparagine 476 with histidine.
Molecular consequence: missense variant.
Genome position (GRCh38, 1-based): chr15:45,108,195, T>G on the plus strand (A>C on the coding strand, the complement: DUOX2 is on the minus strand). VCF-style: chr15-45108195-T-G. GRCh37 (hg19) VCF-style: chr15-45400393-T-G.
Other names: c.1426A>C, p.Asn476His (NM_014080.5); short protein forms N476H.
Identifiers: ClinVar variation 3842842 (VCV003842842.2).
Genomic context (GRCh38, chr15:45,108,195, plus strand): 5'-GGTCCCCATGGCTCTCCAGGAGCCCCCCAAGGAGCAGCTCTAGCTGGGATAGGTCCTGGT[T>G]GTACAGGGCAGCTGTGGCCTCCAGCACCTGGGGCACCACAGGAGATAAGGGGTGAGCGTA-3'
Protein context (NP_001350640.1, residues 466-486): QVLEATAALY[Asn476His]QDLSQLELLL

ClinVar aggregate classification (germline): Uncertain significance. Review status: criteria provided, multiple submitters, no conflicts (2 of 4 stars). 2 submissions from 2 submitters: Uncertain significance (2). Last evaluated 2025-10-23.

Conditions:
Inborn genetic diseases. Identifiers: MedGen C0950123, MeSH D030342.

Submissions (2):

Labcorp Genetics (formerly Invitae), Labcorp
Classification: Uncertain significance. Last evaluated: 2025-10-23. Review status: criteria provided, single submitter. Criteria: Invitae Variant Classification Sherloc (09022015). Collection method: clinical testing. Allele origin: germline.
Comment: This sequence change replaces asparagine, which is neutral and polar, with histidine, which is basic and polar, at codon 476 of the DUOX2 protein (p.Asn476His). This variant is not present in population databases (gnomAD no frequency). This variant has not been reported in the literature in individuals affected with DUOX2-related conditions. ClinVar contains an entry for this variant (Variation ID: 3842842). Invitae Evidence Modeling of protein sequence and biophysical properties (such as structural, functional, and spatial information, amino acid conservation, physicochemical variation, residue mobility, and thermodynamic stability) indicates that this missense variant is not expected to disrupt DUOX2 protein function with a negative predictive value of 80%. In summary, the available evidence is currently insufficient to determine the role of this variant in disease. Therefore, it has been classified as a Variant of Uncertain Significance.

Ambry Genetics
Classification: Uncertain significance for Inborn genetic diseases. Last evaluated: 2025-01-18. Review status: criteria provided, single submitter. Criteria: Ambry Variant Classification Scheme 2023. Collection method: clinical testing. Allele origin: germline.